The following is an entry in ClinVar:

ClinVar aggregate classification (germline): Uncertain significance (1 of 4 stars; one submission).

Conditions:
Hypertrophic cardiomyopathy 14. Identifiers: MedGen C2750467, MONDO:0013197, OMIM 613251.

Allele frequency attached by ClinVar (database versions not stated): TOPMed below 0.00001; gnomAD 0.00001.

Submission:

Labcorp Genetics (formerly Invitae), Labcorp
Classification: Uncertain significance for Hypertrophic cardiomyopathy 14. Last evaluated: 2021-02-16. Review status: criteria provided, single submitter. Criteria: Invitae Variant Classification Sherloc (09022015). Collection method: clinical testing. Allele origin: germline.
Comment: In summary, the available evidence is currently insufficient to determine the role of this variant in disease. Therefore, it has been classified as a Variant of Uncertain Significance. Algorithms developed to predict the effect of missense changes on protein structure and function are either unavailable or do not agree on the potential impact of this missense change (SIFT: "Tolerated"; PolyPhen-2: "Probably Damaging"; Align-GVGD: "Class C0"). This variant has not been reported in the literature in individuals with MYH6-related conditions. This variant is not present in population databases (ExAC no frequency). This sequence change replaces leucine with methionine at codon 1345 of the MYH6 protein (p.Leu1345Met). The leucine residue is weakly conserved and there is a small physicochemical difference between leucine and methionine.

NM_002471.4(MYH6):c.4033C>A (p.Leu1345Met)

Gene: MYH6 (myosin heavy chain 6; minus strand). Cytogenetic location: 14q11.2.
Variant type: single nucleotide variant.
Coding change: c.4033C>A on transcript NM_002471.4 (MANE Select); coding-DNA position 4033, C replaced by A.
Protein change: p.Leu1345Met; replaces leucine 1345 with methionine.
Molecular consequence: missense variant.
Genome position (GRCh38, 1-based): chr14:23,389,001, G>T on the plus strand (C>A on the coding strand, the complement: MYH6 is on the minus strand). VCF-style: chr14-23389001-G-T. GRCh37 (hg19) VCF-style: chr14-23858210-G-T.
Other names: short protein forms L1345M.
Identifiers: ClinVar variation 1481050 (VCV001481050.8), dbSNP rs1728919318, ClinGen allele CA389002150.
Genomic context (GRCh38, chr14:23,389,001, plus strand): 5'-TGGACAGGACGCGCTGCAGCTCGGCCTTGGCCTCTGTCTCCTCCTCGTACTGCTCCCGCA[G>T]CAGGTCGCAGTCATGCCGGGCCGACTGCAGTGCATGGGCCAGGGCGTTCTTCGCCTGGGG-3'
Protein context (NP_002462.2, residues 1335-1355): LQSARHDCDL[Leu1345Met]REQYEEETEA